The following is an entry in ClinVar:

ClinVar aggregate classification (germline): Uncertain significance. Review status: criteria provided, multiple submitters, no conflicts (2 of 4 stars). 2 submissions from 2 submitters: Uncertain significance (2). Last evaluated 2025-04-10.

Conditions:
Hereditary cancer-predisposing syndrome. Also called: Neoplastic Syndromes, Hereditary; Tumor predisposition; Hereditary Cancer Syndrome; Hereditary neoplastic syndrome. Identifiers: Orphanet 140162, MedGen C0027672, MeSH D009386, MONDO:0015356.

Submissions (2):

Ambry Genetics
Classification: Uncertain significance for Hereditary cancer-predisposing syndrome. Last evaluated: 2025-04-10. Review status: criteria provided, single submitter. Criteria: Ambry Variant Classification Scheme 2023. Collection method: clinical testing. Allele origin: germline.
Comment: The p.T1932I variant (also known as c.5795C>T), located in coding exon 15 of the APC gene, results from a C to T substitution at nucleotide position 5795. The threonine at codon 1932 is replaced by isoleucine, an amino acid with similar properties. This variant was not reported in population based cohorts in the following databases: Database of Single Nucleotide Polymorphisms (dbSNP), NHLBI Exome Sequencing Project (ESP), and 1000 Genomes Project. In the ESP, this variant was not observed in 6502 samples (13004 alleles) with coverage at this position. To date, this alteration has been detected with an allele frequency of approximately 0.003% (greater than 32000 alleles tested) in our clinical cohort. This amino acid position is well conserved in available vertebrate species. In addition, in silico predictors for this gene do not accurately predict pathogenicity. Since supporting evidence is limited at this time, the clinical significance of p.T1932I remains unclear.

Color Diagnostics, LLC DBA Color Health
Classification: Uncertain significance for Hereditary cancer-predisposing syndrome. Last evaluated: 2019-06-18. Review status: criteria provided, single submitter. Criteria: ACMG Guidelines, 2015. Collection method: clinical testing. Allele origin: germline.

NM_000038.6(APC):c.5795C>T (p.Thr1932Ile)

Gene: APC (APC regulator of Wnt signaling pathway; plus strand). Cytogenetic location: 5q22.2.
Variant type: single nucleotide variant.
Coding change: c.5795C>T on transcript NM_000038.6 (MANE Select); coding-DNA position 5795, C replaced by T.
Protein change: p.Thr1932Ile; replaces threonine 1932 with isoleucine.
Molecular consequence: missense variant.
Genome position (GRCh38, 1-based): chr5:112,841,389, C>T. VCF-style: chr5-112841389-C-T. GRCh37 (hg19) VCF-style: chr5-112177086-C-T.
Other names: c.5795C>T, p.Thr1932Ile (NM_001127510.3, NM_001354895.2); c.5741C>T, p.Thr1914Ile (NM_001127511.3); c.5849C>T, p.Thr1950Ile (NM_001354896.2); c.5825C>T, p.Thr1942Ile (NM_001354897.2); c.5720C>T, p.Thr1907Ile (NM_001354898.2); c.5711C>T, p.Thr1904Ile (NM_001354899.2); c.5672C>T, p.Thr1891Ile (NM_001354900.2); c.5618C>T, p.Thr1873Ile (NM_001354901.2); and 5 more; short protein forms T1914I, T1932I, T1649I, T1841I, T1942I, T1772I, T1891I, T1831I.
Identifiers: ClinVar variation 233816 (VCV000233816.9), dbSNP rs876660658, ClinGen allele CA10578411.